The following is an entry in ClinVar:

NM_006950.3(SYN1):c.1967C>T (p.Pro656Leu)

Gene: SYN1 (synapsin I; minus strand). Cytogenetic location: Xp11.3.
Variant type: single nucleotide variant.
Coding change: c.1967C>T on transcript NM_006950.3 (MANE Select); coding-DNA position 1967, C replaced by T.
Protein change: p.Pro656Leu; replaces proline 656 with leucine.
Molecular consequence: missense variant.
Genome position (GRCh38, 1-based): chrX:47,574,017, G>A on the plus strand (C>T on the coding strand, the complement: SYN1 is on the minus strand). VCF-style: chrX-47574017-G-A. GRCh37 (hg19) VCF-style: chrX-47433416-G-A.
Other names: c.1967C>T, p.Pro656Leu (NM_133499.2); short protein forms P656L.
Identifiers: ClinVar variation 1307134 (VCV001307134.8), dbSNP rs1391622247, ClinGen allele CA412822019.

ClinVar aggregate classification (germline): Uncertain significance. Review status: criteria provided, multiple submitters, no conflicts (2 of 4 stars). 3 submissions from 3 submitters: Uncertain significance (3). Last evaluated 2022-09-01.

Conditions:
Inborn genetic diseases. Identifiers: MedGen C0950123, MeSH D030342.
Epilepsy, X-linked 1, with variable learning disabilities and behavior disorders. Also called: X-linked epilepsy-learning disabilities-behavior disorders syndrome. Identifiers: Orphanet 85294, MedGen C5774177, MONDO:0010339, OMIM 300491.

Allele frequency attached by ClinVar (database versions not stated): gnomAD 0.00001.
gnomAD v4.1: 4 of 1,146,013 alleles (0.00035%); highest among the groups gnomAD compares: Non-Finnish European, 0.00046%; no homozygotes.

Submissions (3):

Labcorp Genetics (formerly Invitae), Labcorp
Classification: Uncertain significance for Epilepsy, X-linked 1, with variable learning disabilities and behavior disorders. Last evaluated: 2022-09-01. Review status: criteria provided, single submitter. Criteria: Invitae Variant Classification Sherloc (09022015). Collection method: clinical testing. Allele origin: germline.
Comment: In summary, the available evidence is currently insufficient to determine the role of this variant in disease. Therefore, it has been classified as a Variant of Uncertain Significance. Algorithms developed to predict the effect of missense changes on protein structure and function are either unavailable or do not agree on the potential impact of this missense change (SIFT: "Deleterious"; PolyPhen-2: "Not Available"; Align-GVGD: "Class C0"). ClinVar contains an entry for this variant (Variation ID: 1307134). This variant has not been reported in the literature in individuals affected with SYN1-related conditions. This variant is present in population databases (no rsID available, gnomAD 0.01%). This sequence change replaces proline, which is neutral and non-polar, with leucine, which is neutral and non-polar, at codon 656 of the SYN1 protein (p.Pro656Leu).

Ambry Genetics
Classification: Uncertain significance for Inborn genetic diseases. Last evaluated: 2021-06-21. Review status: criteria provided, single submitter. Criteria: Ambry Variant Classification Scheme 2023. Collection method: clinical testing. Allele origin: germline.

GeneDx
Classification: Uncertain significance. Last evaluated: 2019-07-12. Review status: criteria provided, single submitter. Criteria: GeneDx Variant Classification Process June 2021. Collection method: clinical testing. Allele origin: germline. Affected: yes.
Comment: Has not been previously published as pathogenic or benign to our knowledge; In silico analysis, which includes protein predictors and evolutionary conservation, supports that this variant does not alter protein structure/function